The following is an entry in ClinVar:

ClinVar aggregate classification (germline): Uncertain significance (1 of 4 stars; one submission).

Submission:

Ambry Genetics
Classification: Uncertain significance. Last evaluated: 2025-02-05. Review status: criteria provided, single submitter. Criteria: Ambry Variant Classification Scheme 2023. Collection method: clinical testing. Allele origin: germline.
Comment: The p.I245T variant (also known as c.734T>C), located in coding exon 1 of the MC1R gene, results from a T to C substitution at nucleotide position 734. The isoleucine at codon 245 is replaced by threonine, an amino acid with similar properties. This amino acid position is conserved. In addition, this alteration is predicted to be tolerated by in silico analysis. Based on the available evidence, the clinical significance of this variant remains unclear.

NM_002386.4(MC1R):c.734T>C (p.Ile245Thr)

Gene: MC1R (melanocortin 1 receptor; plus strand). Cytogenetic location: 16q24.3.
Variant type: single nucleotide variant.
Coding change: c.734T>C on transcript NM_002386.4 (MANE Select); coding-DNA position 734, T replaced by C.
Protein change: p.Ile245Thr; replaces isoleucine 245 with threonine.
Molecular consequence: missense variant.
Genome position (GRCh38, 1-based): chr16:89,919,992, T>C. VCF-style: chr16-89919992-T-C. GRCh37 (hg19) VCF-style: chr16-89986400-T-C.
Other names: short protein forms I245T.
Identifiers: ClinVar variation 3871106 (VCV003871106.1).